The following is an entry in ClinVar:

ClinVar aggregate classification (germline): Pathogenic (1 of 4 stars; one submission).

Submission:

Labcorp Genetics (formerly Invitae), Labcorp
Classification: Pathogenic. Last evaluated: 2025-02-20. Review status: criteria provided, single submitter. Criteria: Invitae Variant Classification Sherloc (09022015). Collection method: clinical testing. Allele origin: germline.
Comment: This sequence change creates a premature translational stop signal (p.Arg807*) in the TMPRSS15 gene. It is expected to result in an absent or disrupted protein product. Loss-of-function variants in TMPRSS15 are known to be pathogenic (PMID: 11719902). This variant is present in population databases (rs771190392, gnomAD 0.02%). This variant has not been reported in the literature in individuals affected with TMPRSS15-related conditions. For these reasons, this variant has been classified as Pathogenic.

Literature cited by the submitters: PubMed 11719902.

NM_002772.3(TMPRSS15):c.2419C>T (p.Arg807Ter)

Gene: TMPRSS15 (transmembrane serine protease 15; minus strand). Cytogenetic location: 21q21.1.
Variant type: single nucleotide variant.
Coding change: c.2419C>T on transcript NM_002772.3 (MANE Select); coding-DNA position 2419, C replaced by T.
Protein change: p.Arg807Ter; replaces arginine 807 with a stop codon.
Molecular consequence: nonsense.
Genome position (GRCh38, 1-based): chr21:18,294,337, G>A on the plus strand (C>T on the coding strand, the complement: TMPRSS15 is on the minus strand). VCF-style: chr21-18294337-G-A. GRCh37 (hg19) VCF-style: chr21-19666654-G-A.
Other names: c.2554C>T, p.Arg852Ter (NM_001428056.1); c.2419C>T, p.Arg807Ter (NM_001428057.1); short protein forms R807*, R852*.
Identifiers: ClinVar variation 4765169 (VCV004765169.1).